The following is an entry in ClinVar:

ClinVar aggregate classification (germline): Uncertain significance (1 of 4 stars; one submission).

Submission:

GeneDx
Classification: Uncertain significance. Last evaluated: 2026-02-12. Review status: criteria provided, single submitter. Criteria: GeneDx Variant Classification Process June 2021. Collection method: clinical testing. Allele origin: germline.
Comment: Not observed at significant frequency in large population cohorts (gnomAD); In silico analysis suggests that this missense variant does not alter protein structure/function; Has not been previously published as pathogenic or benign to our knowledge

NM_001385012.1(NBEA):c.3163C>G (p.Leu1055Val)

Gene: NBEA (neurobeachin; plus strand). Cytogenetic location: 13q13.3.
Variant type: single nucleotide variant.
Coding change: c.3163C>G on transcript NM_001385012.1 (MANE Select); coding-DNA position 3163, C replaced by G.
Protein change: p.Leu1055Val; replaces leucine 1055 with valine.
Molecular consequence: missense variant.
Genome position (GRCh38, 1-based): chr13:35,159,334, C>G. VCF-style: chr13-35159334-C-G. GRCh37 (hg19) VCF-style: chr13-35733471-C-G.
Other names: c.3163C>G, p.Leu1055Val (NM_001379245.1, NM_015678.5); short protein forms L1055V.
Identifiers: ClinVar variation 5010105 (VCV005010105.1).
Genomic context (GRCh38, chr13:35,159,334, plus strand): 5'-GATGATATTCTTGGAAATTCAGATAGACCAGGAAGTGGTGTACATGTGGAAGTACATGAT[C>G]TTTTAGTAGATATAAAAGCAGAGAAAGTGGAAGCAACAGAAGTAAAGCTCGATGATATGG-3'
Protein context (NP_001371941.1, residues 1045-1065): GSGVHVEVHD[Leu1055Val]LVDIKAEKVE